The following is an entry in ClinVar:

NM_152564.5(VPS13B):c.4065A>G (p.Leu1355=)

Gene: VPS13B (vacuolar protein sorting 13 homolog B; plus strand). Cytogenetic location: 8q22.2.
Variant type: single nucleotide variant.
Coding change: c.4065A>G on transcript NM_152564.5 (MANE Select); coding-DNA position 4065, A replaced by G.
Protein change: p.Leu1355=; no amino-acid change (leucine 1355 retained).
Molecular consequence: synonymous variant.
Genome position (GRCh38, 1-based): chr8:99,502,858, A>G. VCF-style: chr8-99502858-A-G. GRCh37 (hg19) VCF-style: chr8-100515086-A-G.
Other names: c.4065A>G, p.Leu1355= (NM_017890.5); c.4065A>G (NM_152564.4).
Identifiers: ClinVar variation 1533063 (VCV001533063.9), dbSNP rs755818465, ClinGen allele CA4823412.
Genomic context (GRCh38, chr8:99,502,858, plus strand): 5'-AAGACTGTGTTGATATTACTGCTTGTTTCTTATTGCAGAGGTTTGTATGGTCAGTGAACT[A>G]GAAGATCTCAGTGCTTCCATAGATGTCCAGGATGTATATACCAAAGTGAAATGTAAAATA-3'
Protein context (NP_689777.3, residues 1345-1365): KGTEVCMVSE[Leu1355=]EDLSASIDVQ

ClinVar aggregate classification (germline): Likely benign. Review status: criteria provided, multiple submitters, no conflicts (2 of 4 stars). 2 submissions from 2 submitters: Likely benign (2). Last evaluated 2025-03-07.

Conditions:
VPS13B-related disorder. Also called: VPS13B-related condition.
Cohen syndrome (COH1). Also called: Cutis verticis gyrata, retinitis pigmentosa, and sensorineural deafness; PEPPER SYNDROME. Identifiers: Orphanet 193, MedGen C0265223, MONDO:0008999, OMIM 216550.

Allele frequency attached by ClinVar (database versions not stated): gnomAD exomes below 0.00001 and 0.00001; ExAC 0.00001.
gnomAD v4.1: 20 of 1,613,352 alleles (0.0012%); highest among the groups gnomAD compares: Non-Finnish European, 0.0017%; no homozygotes.

Submissions (2):

PreventionGenetics, part of Exact Sciences
Classification: Likely benign for VPS13B-related condition. Last evaluated: 2025-03-07. Review status: criteria provided, single submitter. Criteria: ACMG Guidelines, 2015. Collection method: clinical testing. Allele origin: germline.
Comment: This variant is classified as likely benign based on ACMG/AMP sequence variant interpretation guidelines (Richards et al. 2015 PMID: 25741868, with internal and published modifications).

Labcorp Genetics (formerly Invitae), Labcorp
Classification: Likely benign for Cohen syndrome. Last evaluated: 2023-11-14. Review status: criteria provided, single submitter. Criteria: Invitae Variant Classification Sherloc (09022015). Collection method: clinical testing. Allele origin: germline.